The following is an entry in ClinVar:

ClinVar aggregate classification (germline): Uncertain significance (1 of 4 stars; one submission).

Conditions:
Hereditary cancer-predisposing syndrome. Also called: Hereditary Cancer Syndrome; Neoplastic Syndromes, Hereditary; Tumor predisposition; Hereditary neoplastic syndrome. Identifiers: Orphanet 140162, MedGen C0027672, MeSH D009386, MONDO:0015356.

Submission:

Ambry Genetics
Classification: Uncertain significance for Hereditary cancer-predisposing syndrome. Last evaluated: 2021-10-04. Review status: criteria provided, single submitter. Criteria: Ambry Variant Classification Scheme 2023. Collection method: clinical testing. Allele origin: germline.
Comment: The p.I1770N variant (also known as c.5309T>A), located in coding exon 39 of the POLE gene, results from a T to A substitution at nucleotide position 5309. The isoleucine at codon 1770 is replaced by asparagine, an amino acid with dissimilar properties. This amino acid position is conserved. In addition, this alteration is predicted to be tolerated by in silico analysis. Since supporting evidence is limited at this time, the clinical significance of this alteration remains unclear.

NM_006231.4(POLE):c.5309T>A (p.Ile1770Asn)

Gene: POLE (DNA polymerase epsilon, catalytic subunit; minus strand). Cytogenetic location: 12q24.33.
Variant type: single nucleotide variant.
Coding change: c.5309T>A on transcript NM_006231.4 (MANE Select); coding-DNA position 5309, T replaced by A.
Protein change: p.Ile1770Asn; replaces isoleucine 1770 with asparagine.
Molecular consequence: missense variant.
Genome position (GRCh38, 1-based): chr12:132,641,716, A>T on the plus strand (T>A on the coding strand, the complement: POLE is on the minus strand). VCF-style: chr12-132641716-A-T. GRCh37 (hg19) VCF-style: chr12-133218302-A-T.
Other names: short protein forms I1770N.
Identifiers: ClinVar variation 1746741 (VCV001746741.2), dbSNP rs2042146627, ClinGen allele CA387376002.